The following is an entry in ClinVar:

ClinVar aggregate classification (germline): Uncertain significance. Review status: criteria provided, multiple submitters, no conflicts (2 of 4 stars). 2 submissions from 2 submitters: Uncertain significance (2). Last evaluated 2024-08-06.

Conditions:
Senior-Loken syndrome 1 (SLSN1). Also called: JUVENILE NEPHRONOPHTHISIS WITH LEBER AMAUROSIS. Identifiers: Orphanet 3156, MedGen C4551559, MONDO:0009962, OMIM 266900.
Nephronophthisis 1 (NPHP1). Also called: Nephronophthisis familial juvenile. Identifiers: Orphanet 655, Orphanet 93592, MedGen C1855681, MONDO:0009728, OMIM 256100.
Joubert syndrome with renal defect. Also called: JOUBERT SYNDROME 4. Identifiers: Orphanet 220497, MedGen C1846790, MONDO:0012308, OMIM 609583.
Nephronophthisis. Also called: Juvenile Nephronophthisis. Identifiers: Orphanet 655, MedGen C0687120, MONDO:0019005, HP:0000090.

Allele frequency attached by ClinVar (database versions not stated): gnomAD exomes below 0.00001 and 0.00001; ExAC 0.00002.
gnomAD v4.1: 7 of 1,613,930 alleles (0.00043%); highest among the groups gnomAD compares: South Asian, 0.0033%; no homozygotes.

Submissions (2):

Labcorp Genetics (formerly Invitae), Labcorp
Classification: Uncertain significance for Nephronophthisis. Last evaluated: 2024-08-06. Review status: criteria provided, single submitter. Criteria: Invitae Variant Classification Sherloc (09022015). Collection method: clinical testing. Allele origin: germline.
Comment: This sequence change replaces threonine, which is neutral and polar, with isoleucine, which is neutral and non-polar, at codon 424 of the NPHP1 protein (p.Thr424Ile). This variant is present in population databases (rs778528184, gnomAD 0.002%). This variant has not been reported in the literature in individuals affected with NPHP1-related conditions. ClinVar contains an entry for this variant (Variation ID: 1385945). Advanced modeling of protein sequence and biophysical properties (such as structural, functional, and spatial information, amino acid conservation, physicochemical variation, residue mobility, and thermodynamic stability) has been performed at Invitae for this missense variant, however the output from this modeling did not meet the statistical confidence thresholds required to predict the impact of this variant on NPHP1 protein function. In summary, the available evidence is currently insufficient to determine the role of this variant in disease. Therefore, it has been classified as a Variant of Uncertain Significance.

Fulgent Genetics
Classification: Uncertain significance for Nephronophthisis 1; Senior-Loken syndrome 1; Joubert syndrome with renal defect. Last evaluated: 2024-06-11. Review status: criteria provided, single submitter. Criteria: ACMG Guidelines, 2015. Collection method: clinical testing. Allele origin: germline.

NM_001128178.3(NPHP1):c.1103C>T (p.Thr368Ile)

Genes: NPHP1 (nephrocystin 1; minus strand), LOC126806306 (P300/CBP strongly-dependent group 1 enhancer GRCh37_chr2:110906815-110908014; plus strand). Cytogenetic location: 2q13.
Variant type: single nucleotide variant.
Coding change: c.1103C>T on transcript NM_001128178.3 (MANE Select); coding-DNA position 1103, C replaced by T.
Protein change: p.Thr368Ile; replaces threonine 368 with isoleucine.
Molecular consequence: missense variant.
Genome position (GRCh38, 1-based): chr2:110,150,237, G>A on the plus strand (C>T on the coding strand, the complement: NPHP1 is on the minus strand). VCF-style: chr2-110150237-G-A. GRCh37 (hg19) VCF-style: chr2-110907814-G-A.
Other names: c.1271C>T (NM_000272.4); c.1271C>T, p.Thr424Ile (NM_000272.5); c.914C>T, p.Thr305Ile (NM_001128179.3); c.1100C>T, p.Thr367Ile (NM_001374256.1); c.1103C>T, p.Thr368Ile (NM_001374257.1); c.1268C>T, p.Thr423Ile (NM_207181.4); short protein forms T305I, T423I, T424I, T368I, T367I.
Identifiers: ClinVar variation 1385945 (VCV001385945.8), dbSNP rs778528184, ClinGen allele CA1827125.